The following is an entry in ClinVar:

ClinVar aggregate classification (germline): Uncertain significance. Review status: criteria provided, multiple submitters, no conflicts (2 of 4 stars). 2 submissions from 2 submitters: Uncertain significance (2). Last evaluated 2023-02-18.

Allele frequency attached by ClinVar (database versions not stated): TOPMed below 0.00001.

Submissions (2):

Labcorp Genetics (formerly Invitae), Labcorp
Classification: Uncertain significance. Last evaluated: 2023-02-18. Review status: criteria provided, single submitter. Criteria: Invitae Variant Classification Sherloc (09022015). Collection method: clinical testing. Allele origin: germline.
Comment: This sequence change replaces proline, which is neutral and non-polar, with serine, which is neutral and polar, at codon 349 of the TRRAP protein (p.Pro349Ser). This variant is present in population databases (no rsID available, gnomAD 0.0009%). This variant has not been reported in the literature in individuals affected with TRRAP-related conditions. Advanced modeling of protein sequence and biophysical properties (such as structural, functional, and spatial information, amino acid conservation, physicochemical variation, residue mobility, and thermodynamic stability) performed at Invitae indicates that this missense variant is not expected to disrupt TRRAP protein function. In summary, the available evidence is currently insufficient to determine the role of this variant in disease. Therefore, it has been classified as a Variant of Uncertain Significance.

Blueprint Genetics
Classification: Uncertain significance. Last evaluated: 2020-12-22. Review status: criteria provided, single submitter. Criteria: ACMG Guidelines, 2015. Collection method: clinical testing. Allele origin: germline.

NM_001375524.1(TRRAP):c.1045C>T (p.Pro349Ser)

Gene: TRRAP (transformation/transcription domain associated protein; plus strand). Cytogenetic location: 7q22.1.
Variant type: single nucleotide variant.
Coding change: c.1045C>T on transcript NM_001375524.1 (MANE Select); coding-DNA position 1045, C replaced by T.
Protein change: p.Pro349Ser; replaces proline 349 with serine.
Molecular consequence: missense variant.
Genome position (GRCh38, 1-based): chr7:98,906,185, C>T. VCF-style: chr7-98906185-C-T. GRCh37 (hg19) VCF-style: chr7-98503808-C-T.
Other names: c.1045C>T, p.Pro349Ser (NM_001244580.2, NM_003496.4); short protein forms P349S.
Identifiers: ClinVar variation 2959277 (VCV002959277.4), dbSNP rs1554407490, ClinGen allele CA368283099.